The following is an entry in ClinVar:

NM_001197104.2(KMT2A):c.3887_3890del (p.Lys1296fs)

Gene: KMT2A (lysine methyltransferase 2A; plus strand). Cytogenetic location: 11q23.3.
Variant type: Microsatellite.
Coding change: c.3887_3890del on transcript NM_001197104.2 (MANE Select); coding-DNA positions 3887 to 3890, 4 bases deleted (AGCA; older notation c.3887_3890delAGCA).
Protein change: p.Lys1296fs; shifts the reading frame from lysine 1296.
Molecular consequence: frameshift variant.
Genome position (GRCh38, 1-based): chr11:118,481,967-118,481,970, AGCA deleted; deleting any 4 consecutive bases within chr11:118,481,961-118,481,970 gives the same sequence; the c. name uses the placement nearest the transcript's 3' end. VCF-style (leftmost placement, unchanged base first): chr11-118481960-TCAAG-T. GRCh37 (hg19) VCF-style: chr11-118352675-TCAAG-T.
Other names: c.3887_3890del, p.Lys1296fs (NM_005933.4); c.3986_3989del, p.Lys1329fs (NM_001412597.1); short protein forms K1296fs, K1329fs.
Identifiers: ClinVar variation 4531742 (VCV004531742.1).
Genomic context (GRCh38, chr11:118,481,960, plus strand): 5'-GGGAATGTCTCGGCCCCTGGGCCTGAATCCAAACAGGCCACCACTCCAGCTTCCAGGAAG[TCAAG>T]CAAGCAGGTCTCCCAGCCAGCACTGGTCATCCCGCCTCAGCCACCTACTACAGGACCGCC-3'

ClinVar aggregate classification (germline): Pathogenic (1 of 4 stars; one submission).

Conditions:
Wiedemann-Steiner syndrome (WDSTS). Also called: Growth deficiency and mental retardation with facial dysmorphism. Identifiers: Orphanet 319182, MedGen C1854630, MONDO:0011518, OMIM 605130.

Submission:

Victorian Clinical Genetics Services, Murdoch Childrens Research Institute
Classification: Pathogenic for Wiedemann-Steiner syndrome. Last evaluated: 2025-08-18. Review status: criteria provided, single submitter. Criteria: ACMG Guidelines, 2015. Collection method: clinical testing. Allele origin: germline. Affected: yes.
Comment: This variant is classified as Pathogenic. Evidence in support of pathogenic classification: Variant is predicted to cause nonsense-mediated decay (NMD) and loss of protein (premature termination codon is located at least 54 nucleotides upstream of the final exon-exon junction); Variant is absent from gnomAD (v2, v3 and v4); Other NMD-predicted variant(s) comparable to the one identified in this case have very strong previous evidence for pathogenicity (DECIPHER). Additional information: This variant is heterozygous; This gene is associated with autosomal dominant disease; Loss of function is a known mechanism of disease in this gene and is associated with Wiedemann-Steiner syndrome (MIM#605130).